The following is an entry in ClinVar:

NM_000179.3(MSH6):c.3371del (p.Asn1124fs)

Gene: MSH6 (mutS homolog 6; plus strand). Cytogenetic location: 2p16.3.
Variant type: Deletion.
Coding change: c.3371del on transcript NM_000179.3 (MANE Select); coding-DNA position 3371, one base deleted (A; older notation c.3371delA).
Protein change: p.Asn1124fs; shifts the reading frame from asparagine 1124.
Molecular consequence: frameshift variant.
Genome position (GRCh38, 1-based): chr2:47,803,618, A deleted; the last of 4 consecutive A bases (chr2:47,803,615-47,803,618); deleting any one gives the same sequence. VCF-style (leftmost placement, unchanged base first): chr2-47803614-GA-G. GRCh37 (hg19) VCF-style: chr2-48030753-GA-G.
Other names: c.3371delA (NM_000179.2); c.2981del, p.Asn994fs (NM_001281492.2); c.2465del, p.Asn822fs (NM_001281493.2, NM_001281494.2); short protein forms N822fs, N1124fs, N994fs.
Identifiers: ClinVar variation 525831 (VCV000525831.7), dbSNP rs1553331659, ClinGen allele CA658795742.

ClinVar aggregate classification (germline): Pathogenic (1 of 4 stars; one submission).

Conditions:
Hereditary nonpolyposis colorectal neoplasms. Identifiers: MedGen C0009405, MeSH D003123.

Submission:

Labcorp Genetics (formerly Invitae), Labcorp
Classification: Pathogenic for Hereditary nonpolyposis colorectal neoplasms. Last evaluated: 2018-06-07. Review status: criteria provided, single submitter. Criteria: Invitae Variant Classification Sherloc (09022015). Collection method: clinical testing. Allele origin: germline.
Comment: Loss-of-function variants in MSH6 are known to be pathogenic (PMID: 18269114, 24362816). This variant is not present in population databases (ExAC no frequency). This variant has not been reported in the literature in individuals with MSH6-related disease. ClinVar contains an entry for this variant (Variation ID: 525831). For these reasons, this variant has been classified as Pathogenic. This sequence change creates a premature translational stop signal (p.Asn1124Metfs*21) in the MSH6 gene. It is expected to result in an absent or disrupted protein product.

Literature cited by the submitters: PubMed 18269114; PubMed 24362816.